The following is an entry in ClinVar:

NM_001142800.2(EYS):c.3906C>A (p.His1302Gln)

Gene: EYS (EGF-like photoreceptor maintenance factor; minus strand). Cytogenetic location: 6q12.
Variant type: single nucleotide variant.
Coding change: c.3906C>A on transcript NM_001142800.2 (MANE Select); coding-DNA position 3906, C replaced by A.
Protein change: p.His1302Gln; replaces histidine 1302 with glutamine.
Molecular consequence: missense variant.
Genome position (GRCh38, 1-based): chr6:64,591,961, G>T on the plus strand (C>A on the coding strand, the complement: EYS is on the minus strand). VCF-style: chr6-64591961-G-T. GRCh37 (hg19) VCF-style: chr6-65301854-G-T.
Other names: c.3906C>A, p.His1302Gln (NM_001292009.2); short protein forms H1302Q.
Identifiers: ClinVar variation 560533 (VCV000560533.8), dbSNP rs12663916, ClinGen allele CA140340985.
Genomic context (GRCh38, chr6:64,591,961, plus strand): 5'-GTAGCTTTCCAAGGGTGTGCTAATTCTTAATGTTGCCAAACCAGTGGTTGGGAGAATGTC[G>T]TGCTTGACAATGCCTGTCTGTTTTGGACCTACAAAAAGGAAAAAAGCCAAAAAGGTTAGA-3'
Protein context (NP_001136272.1, residues 1292-1312): QGPKQTGIVK[His1302Gln]DILPTTGLAT

ClinVar aggregate classification (germline): Conflicting classifications of pathogenicity. Review status: criteria provided, conflicting classifications (1 of 4 stars). 3 submissions from 3 submitters: Uncertain significance (1); Likely benign (1). 1 of the submissions does not count toward it. Last evaluated 2024-10-30.

Conditions:
EYS-related disorder. Also called: EYS-related condition.

gnomAD v4.1: 42 of 1,507,078 alleles (0.0028%); highest among the groups gnomAD compares: Non-Finnish European, 0.0033%; no homozygotes.

Submissions (3):

Blueprint Genetics
Classification: Likely benign. Last evaluated: 2024-10-30. Review status: criteria provided, single submitter. Criteria: ACMG Guidelines, 2015. Collection method: clinical testing. Allele origin: germline.

Labcorp Genetics (formerly Invitae), Labcorp
Classification: Uncertain significance. Last evaluated: 2022-10-24. Review status: criteria provided, single submitter. Criteria: Invitae Variant Classification Sherloc (09022015). Collection method: clinical testing. Allele origin: germline.
Comment: This sequence change replaces histidine, which is basic and polar, with glutamine, which is neutral and polar, at codon 1302 of the EYS protein (p.His1302Gln). This variant is present in population databases (no rsID available, gnomAD 0.007%). This variant has not been reported in the literature in individuals affected with EYS-related conditions. Algorithms developed to predict the effect of missense changes on protein structure and function output the following: SIFT: "Deleterious"; PolyPhen-2: "Probably Damaging"; Align-GVGD: "Class C0". The glutamine amino acid residue is found in multiple mammalian species, which suggests that this missense change does not adversely affect protein function. In summary, the available evidence is currently insufficient to determine the role of this variant in disease. Therefore, it has been classified as a Variant of Uncertain Significance.

PreventionGenetics, part of Exact Sciences
Classification: Uncertain significance for EYS-related condition. Last evaluated: 2024-03-01. Review status: no assertion criteria provided. Collection method: clinical testing. Allele origin: germline. Not counted in ClinVar's aggregate classification.
Comment: The EYS c.3906C>A variant is predicted to result in the amino acid substitution p.His1302Gln. This variant has been reported as a complex allele (i.e. in cis) with the nonsense variant c.9405T>A (p.Tyr3135*); both variants were in the homozygous state in an individual with retinitis pigmentosa (Messchaert et al. 2018. PubMed ID: 29159838). This variant has not been reported in isolation from the nonsense variant. This variant is reported in 0.0062% of alleles in individuals of European (Non-Finnish) descent in gnomAD. At this time, the clinical significance of this variant is uncertain due to the absence of conclusive functional and genetic evidence.